The following is an entry in ClinVar:

NM_001009944.3(PKD1):c.1132C>T (p.Gln378Ter)

Gene: PKD1 (polycystin 1, transient receptor potential channel interacting; minus strand). Cytogenetic location: 16p13.3.
Variant type: single nucleotide variant.
Coding change: c.1132C>T on transcript NM_001009944.3 (MANE Select); coding-DNA position 1132, C replaced by T.
Protein change: p.Gln378Ter; replaces glutamine 378 with a stop codon.
Molecular consequence: nonsense.
Genome position (GRCh38, 1-based): chr16:2,117,860, G>A on the plus strand (C>T on the coding strand, the complement: PKD1 is on the minus strand). VCF-style: chr16-2117860-G-A. GRCh37 (hg19) VCF-style: chr16-2167861-G-A.
Other names: c.1132C>T, p.Gln378Ter (NM_000296.4); short protein forms Q378*.
Identifiers: ClinVar variation 2572640 (VCV002572640.1), dbSNP rs2544877617, ClinGen allele CA394393149.

ClinVar aggregate classification (germline): Likely pathogenic (1 of 4 stars; one submission).

Conditions:
Polycystic kidney disease, adult type (PKD1). Also called: POLYCYSTIC KIDNEY DISEASE 1 WITH OR WITHOUT POLYCYSTIC LIVER DISEASE; Polycystic Kidney Disease 1, Autosomal Dominant; Polycystic kidney disease 1; Polycystic kidney disease 1, severe; Polycystic Kidney, Autosomal Dominant; POLYCYSTIC KIDNEY DISEASE, ADULT, TYPE I. Identifiers: MedGen C3149841, MONDO:0008263, OMIM 173900.

Submission:

Laboratory of Medical Genetics, National & Kapodistrian University of Athens
Classification: Likely pathogenic for Polycystic kidney disease, adult type. Last evaluated: 2023-03-16. Review status: criteria provided, single submitter. Criteria: ACMG Guidelines, 2015. Collection method: clinical testing. Allele origin: de novo. Affected: yes.
Comment: PVS1, PM2